The following is an entry in ClinVar:

GRCh37/hg19 7p22.3(chr7:170366-229852)x1

Gene: FAM20C (FAM20C golgi associated secretory pathway kinase; plus strand). Cytogenetic location: 7p22.3.
Variant type: copy number loss.
Change: copy number 1 (one copy instead of two) of chr7:170,366-229,852 (59.5 kb, GRCh37 coordinates, 1-based), cytogenetic band 7p22.3.
Identifiers: ClinVar variation 4538528 (VCV004538528.1).

ClinVar aggregate classification (germline): Likely pathogenic (0 of 4 stars; one submission).

Conditions:
Lethal osteosclerotic bone dysplasia (RNS). Also called: Osteomalacia, sclerosing, with cerebral calcification. Identifiers: Orphanet 1832, MedGen C1850106, MONDO:0009821, OMIM 259775.

Submission:

Department of Clinical Genetics, Nicolaus Copernicus University
Classification: Likely pathogenic for Lethal osteosclerotic bone dysplasia. Last evaluated: 2022-11-16. Review status: no assertion criteria provided. Collection method: research. Allele origin: maternal. Affected: yes.
Comment: Significant gene-phenotype association. This CNV was observed in compound heterozygous state with variant NM_020223.4:c.307_308dupTC.